The following is an entry in ClinVar:

ClinVar aggregate classification (germline): Uncertain significance (1 of 4 stars; one submission).

Conditions:
Familial Mediterranean fever (FMF). Also called: Periodic peritonitis; POLYSEROSITIS, FAMILIAL PAROXYSMAL; POLYSEROSITIS, RECURRENT; Benign paroxysmal peritonitis. Identifiers: Orphanet 342, MedGen C0031069, MONDO:0018088, OMIM 249100. Disease mechanism: gain of function.

Submission:

Labcorp Genetics (formerly Invitae), Labcorp
Classification: Uncertain significance for Familial Mediterranean fever. Last evaluated: 2023-07-10. Review status: criteria provided, single submitter. Criteria: Invitae Variant Classification Sherloc (09022015). Collection method: clinical testing. Allele origin: germline.
Comment: This sequence change replaces tyrosine, which is neutral and polar, with histidine, which is basic and polar, at codon 732 of the MEFV protein (p.Tyr732His). This variant is not present in population databases (gnomAD no frequency). This variant has not been reported in the literature in individuals affected with MEFV-related conditions. An algorithm developed to predict the effect of missense changes on protein structure and function (PolyPhen-2) suggests that this variant is likely to be disruptive. In summary, the available evidence is currently insufficient to determine the role of this variant in disease. Therefore, it has been classified as a Variant of Uncertain Significance.

NM_000243.3(MEFV):c.2194T>C (p.Tyr732His)

Gene: MEFV (MEFV innate immunity regulator, pyrin; minus strand). Cytogenetic location: 16p13.3.
Variant type: single nucleotide variant.
Coding change: c.2194T>C on transcript NM_000243.3 (MANE Select); coding-DNA position 2194, T replaced by C.
Protein change: p.Tyr732His; replaces tyrosine 732 with histidine.
Molecular consequence: missense variant. On other transcripts: 3 prime UTR variant (1).
Genome position (GRCh38, 1-based): chr16:3,243,293, A>G on the plus strand (T>C on the coding strand, the complement: MEFV is on the minus strand). VCF-style: chr16-3243293-A-G. GRCh37 (hg19) VCF-style: chr16-3293293-A-G.
Other names: c.*398T>C (NM_001198536.2); short protein forms Y732H.
Identifiers: ClinVar variation 2747302 (VCV002747302.3), dbSNP rs1245305931, ClinGen allele CA394485369.
Genomic context (GRCh38, chr16:3,243,293, plus strand): 5'-GGGGCCCAGAGAAAGAGCAGCTGGCGAATGTATAGATGTGGGATCTGGCTGTCACATTGT[A>G]AAAGGAGATGCTTCCAACTCTGTAGTCCACGAAGATGCCCACACGCTTGGGAGGCTCCTT-3'
Protein context (NP_000234.1, residues 722-742): VDYRVGSISF[Tyr732His]NVTARSHIYT